The following is an entry in ClinVar:

ClinVar aggregate classification (germline): Uncertain significance (1 of 4 stars; one submission).

Conditions:
Werner syndrome (WRN). Identifiers: Orphanet 902, MedGen C0043119, MONDO:0010196, OMIM 277700.

Allele frequency attached by ClinVar (database versions not stated): gnomAD exomes below 0.00001; TOPMed below 0.00001; gnomAD 0.00001.
gnomAD v4.1: 3 of 1,612,920 alleles (0.00019%); highest among the groups gnomAD compares: Non-Finnish European, 0.00025%; no homozygotes.

Submission:

Labcorp Genetics (formerly Invitae), Labcorp
Classification: Uncertain significance for Werner syndrome. Last evaluated: 2021-11-03. Review status: criteria provided, single submitter. Criteria: Invitae Variant Classification Sherloc (09022015). Collection method: clinical testing. Allele origin: germline.
Comment: Algorithms developed to predict the effect of missense changes on protein structure and function are either unavailable or do not agree on the potential impact of this missense change (SIFT: "Not Available"; PolyPhen-2: "Benign"; Align-GVGD: "Not Available"). This variant has not been reported in the literature in individuals affected with WRN-related conditions. In summary, the available evidence is currently insufficient to determine the role of this variant in disease. Therefore, it has been classified as a Variant of Uncertain Significance. This sequence change replaces serine, which is neutral and polar, with tyrosine, which is neutral and polar, at codon 1385 of the WRN protein (p.Ser1385Tyr). This variant is not present in population databases (gnomAD no frequency).

NM_000553.6(WRN):c.4154C>A (p.Ser1385Tyr)

Gene: WRN (WRN RecQ like helicase; plus strand). Cytogenetic location: 8p12.
Variant type: single nucleotide variant.
Coding change: c.4154C>A on transcript NM_000553.6 (MANE Select); coding-DNA position 4154, C replaced by A.
Protein change: p.Ser1385Tyr; replaces serine 1385 with tyrosine.
Molecular consequence: missense variant.
Genome position (GRCh38, 1-based): chr8:31,167,193, C>A. VCF-style: chr8-31167193-C-A. GRCh37 (hg19) VCF-style: chr8-31024709-C-A.
Other names: short protein forms S1385Y.
Identifiers: ClinVar variation 1390883 (VCV001390883.6), dbSNP rs993954914, ClinGen allele CA174886886.